The following is an entry in ClinVar:

NC_000002.11:g.(?_32352275)_(32353547_?)del

Gene: SPAST (spastin; plus strand). Cytogenetic location: 2p22.3.
Variant type: Deletion.
Identifiers: ClinVar variation 3247329 (VCV003247329.1).

ClinVar aggregate classification (germline): Pathogenic (1 of 4 stars; one submission).

Conditions:
Hereditary spastic paraplegia 4. Also called: Spastic paraplegia 4, autosomal dominant; Familial spastic paraplegia autosomal dominant 2; Spastic Paraplegia 4. Identifiers: Orphanet 100985, MedGen C1866855, MONDO:0008438, OMIM 182601.

Submission:

Labcorp Genetics (formerly Invitae), Labcorp
Classification: Pathogenic for Hereditary spastic paraplegia 4. Last evaluated: 2019-04-01. Review status: criteria provided, single submitter. Criteria: Invitae Variant Classification Sherloc (09022015). Collection method: clinical testing. Allele origin: unknown.
Comment: For these reasons, this variant has been classified as Pathogenic. Loss-of-function variants in SPAST are known to be pathogenic (PMID: 20932283). This copy number variant disrupts the p.Ser413 amino acid residue in SPAST. Other variant(s) that disrupt this residue have been determined to be pathogenic (PMID: 20550563, Invitae). This suggests that this residue is clinically significant, and that variants that disrupt this residue are likely to be disease-causing. This variant has not been reported in the literature in individuals with SPAST-related conditions. This variant is a deletion of the genomic region encompassing part of exon 9 (c.1173+184_1244del) of the SPAST gene. It is expected to disrupt RNA splicing and likely results in an absent or disrupted protein product.

Literature cited by the submitters: PubMed 20932283; PubMed 20550563.